The following is an entry in ClinVar:

ClinVar aggregate classification (germline): Pathogenic (1 of 4 stars; one submission).

Conditions:
Hereditary cancer-predisposing syndrome. Also called: Neoplastic Syndromes, Hereditary; Tumor predisposition; Hereditary Cancer Syndrome; Hereditary neoplastic syndrome. Identifiers: Orphanet 140162, MedGen C0027672, MeSH D009386, MONDO:0015356.

Submission:

Ambry Genetics
Classification: Pathogenic for Hereditary cancer-predisposing syndrome. Last evaluated: 2022-04-22. Review status: criteria provided, single submitter. Criteria: Ambry Variant Classification Scheme 2023. Collection method: clinical testing. Allele origin: germline.
Comment: The p.K135* pathogenic mutation (also known as c.403A>T), located in coding exon 2 of the CHEK2 gene, results from an A to T substitution at nucleotide position 403. This changes the amino acid from a lysine to a stop codon within coding exon 2. This variant is considered to be rare based on population cohorts in the Genome Aggregation Database (gnomAD). This alteration is expected to result in loss of function by premature protein truncation or nonsense-mediated mRNA decay. As such, this alteration is interpreted as a disease-causing mutation.

NM_007194.4(CHEK2):c.403A>T (p.Lys135Ter)

Gene: CHEK2 (checkpoint kinase 2; minus strand). Cytogenetic location: 22q12.1.
Variant type: single nucleotide variant.
Coding change: c.403A>T on transcript NM_007194.4 (MANE Select); coding-DNA position 403, A replaced by T.
Protein change: p.Lys135Ter; replaces lysine 135 with a stop codon.
Molecular consequence: nonsense.
Genome position (GRCh38, 1-based): chr22:28,725,284, T>A on the plus strand (A>T on the coding strand, the complement: CHEK2 is on the minus strand). VCF-style: chr22-28725284-T-A. GRCh37 (hg19) VCF-style: chr22-29121272-T-A.
Other names: c.532A>T, p.Lys178Ter (NM_001005735.3); c.-375A>T (NM_001257387.3); c.403A>T, p.Lys135Ter (NM_001349956.3, NM_145862.3); short protein forms K178*, K135*.
Identifiers: ClinVar variation 1737265 (VCV001737265.2), dbSNP rs1601825425, ClinGen allele CA411108005.